The following is an entry in ClinVar:

ClinVar aggregate classification (germline): Pathogenic. Review status: criteria provided, multiple submitters, no conflicts (2 of 4 stars). 2 submissions from 2 submitters: Pathogenic (2). Last evaluated 2026-10-20.

Conditions:
Ayme-Gripp syndrome. Also called: Aymé-Gripp Syndrome. Identifiers: MedGen C1832812, MONDO:0010992, OMIM 601088.

Submissions (2):

GeneDx
Classification: Pathogenic. Last evaluated: 2026-10-20. Review status: criteria provided, single submitter. Criteria: GeneDx Variant Classification Process June 2021. Collection method: clinical testing. Allele origin: germline.
Comment: In silico analysis supports that this missense variant has a deleterious effect on protein structure/function; Not observed at significant frequency in large population cohorts (gnomAD); This variant is associated with the following publications: (PMID: 31600839)

Institute of Human Genetics, University of Leipzig Medical Center
Classification: Pathogenic for Ayme-Gripp syndrome. Last evaluated: 2024-09-03. Review status: criteria provided, single submitter. Criteria: ACMG Guidelines, 2015. Collection method: clinical testing. Allele origin: unknown. Inheritance: Autosomal dominant inheritance. Affected: yes.
Comment: Criteria applied: PS2,PM2,PM5,PS4_SUP,PP2,PP3

NM_005360.5(MAF):c.197C>T (p.Ser66Leu)

Gene: MAF (MAF bZIP transcription factor; minus strand). Cytogenetic location: 16q23.2.
Variant type: single nucleotide variant.
Coding change: c.197C>T on transcript NM_005360.5 (MANE Select); coding-DNA position 197, C replaced by T.
Protein change: p.Ser66Leu; replaces serine 66 with leucine.
Molecular consequence: missense variant.
Genome position (GRCh38, 1-based): chr16:79,599,706, G>A on the plus strand (C>T on the coding strand, the complement: MAF is on the minus strand). VCF-style: chr16-79599706-G-A. GRCh37 (hg19) VCF-style: chr16-79633603-G-A.
Other names: c.197C>T, p.Ser66Leu (NM_001031804.3); c.197C>T (NM_005360.4); short protein forms S66L.
Identifiers: ClinVar variation 3359105 (VCV003359105.5).